The following is an entry in ClinVar:

NM_004356.4(CD81):c.182-5G>A

Gene: CD81 (CD81 molecule; plus strand). Cytogenetic location: 11p15.5.
Variant type: single nucleotide variant.
Coding change: c.182-5G>A on transcript NM_004356.4 (MANE Select); 5 bases into the intron before coding-DNA position 182, G replaced by A.
Molecular consequence: intron variant.
Genome position (GRCh38, 1-based): chr11:2,394,090, G>A. VCF-style: chr11-2394090-G-A. GRCh37 (hg19) VCF-style: chr11-2415320-G-A.
Other names: c.-32-5G>A (NM_001297649.2).
Identifiers: ClinVar variation 626080 (VCV000626080.6), dbSNP rs562261414, ClinGen allele CA5819912.

ClinVar aggregate classification (germline): Conflicting classifications of pathogenicity. Review status: criteria provided, conflicting classifications (1 of 4 stars). 3 submissions from 3 submitters: Uncertain significance (1); Likely benign (2). Last evaluated 2026-01-07.

Conditions:
Immunodeficiency, common variable, 6. Also called: ANTIBODY DEFICIENCY DUE TO CD81 DEFECT. Identifiers: Orphanet 1572, MedGen C3150741, MONDO:0013286, OMIM 613496.

Allele frequency attached by ClinVar (database versions not stated): TOPMed 0.00004; ExAC 0.00005; gnomAD 0.00005 and 0.00006; gnomAD exomes 0.00007.
gnomAD v4.1: 41 of 1,610,494 alleles (0.0025%); highest among the groups gnomAD compares: East Asian, 0.036%; no homozygotes.

Submissions (3):

Labcorp Genetics (formerly Invitae), Labcorp
Classification: Likely benign. Last evaluated: 2026-01-07. Review status: criteria provided, single submitter. Criteria: Invitae Variant Classification Sherloc (09022015). Collection method: clinical testing. Allele origin: germline.

Blueprint Genetics
Classification: Likely benign. Last evaluated: 2023-07-07. Review status: criteria provided, single submitter. Criteria: ACMG Guidelines, 2015. Collection method: clinical testing. Allele origin: germline.

Center for Genomics, Ann and Robert H. Lurie Children's Hospital of Chicago
Classification: Uncertain significance for Immunodeficiency, common variable, 6. Last evaluated: 2021-11-23. Review status: criteria provided, single submitter. Criteria: ACMG Guidelines, 2015. Collection method: clinical testing. Allele origin: germline.
Comment: CD81:NM_004356:exon3: c.182-5G>A: This variant has not been reported in the literature, but is present in 7/18856 East Asian chromosomes in the Genome Aggregation Database. This variant is an intronic variant with no predicted change in the amino acid sequence but may have an unknown effect on splicing. Further studies are needed to understand its impact. In summary, data on this variant is insufficient for disease classification. Therefore, the clinical significance of this variant is uncertain.